The following is an entry in ClinVar:

NM_001082486.2(ACD):c.1178G>A (p.Arg393Lys)

Gene: ACD (ACD shelterin complex subunit and telomerase recruitment factor; minus strand). Cytogenetic location: 16q22.1.
Variant type: single nucleotide variant.
Coding change: c.1178G>A on transcript NM_001082486.2 (MANE Select); coding-DNA position 1178, G replaced by A.
Protein change: p.Arg393Lys; replaces arginine 393 with lysine.
Molecular consequence: missense variant.
Genome position (GRCh38, 1-based): chr16:67,658,014, C>T on the plus strand (G>A on the coding strand, the complement: ACD is on the minus strand). VCF-style: chr16-67658014-C-T. GRCh37 (hg19) VCF-style: chr16-67691917-C-T.
Other names: c.1178G>A, p.Arg393Lys (LRG_1237t1); c.1169G>A, p.Arg390Lys (NM_022914.3); short protein forms R393K, R390K.
Identifiers: ClinVar variation 653471 (VCV000653471.8), dbSNP rs531580930, ClinGen allele CA8114423.

ClinVar aggregate classification (germline): Uncertain significance. Review status: criteria provided, multiple submitters, no conflicts (2 of 4 stars). 3 submissions from 3 submitters: Uncertain significance (3). Last evaluated 2025-12-29.

Conditions:
Dyskeratosis congenita, autosomal dominant 6 (DKCA6). Identifiers: Orphanet 3322, MedGen C4225284, MONDO:0014690, OMIM 616553.

Allele frequency attached by ClinVar (database versions not stated): TOPMed 0.00001; ExAC 0.00005; gnomAD 0.00005; gnomAD exomes 0.00005 and 0.00006.

Submissions (3):

Center for Genomic Medicine, Rigshospitalet, Copenhagen University Hospital
Classification: Uncertain significance. Last evaluated: 2025-12-29. Review status: criteria provided, single submitter. Criteria: ACMG Guidelines, 2015. Collection method: clinical testing. Allele origin: germline.

Labcorp Genetics (formerly Invitae), Labcorp
Classification: Uncertain significance for Dyskeratosis congenita, autosomal dominant 6. Last evaluated: 2025-07-27. Review status: criteria provided, single submitter. Criteria: Invitae Variant Classification Sherloc (09022015). Collection method: clinical testing. Allele origin: germline.
Comment: This sequence change replaces arginine, which is basic and polar, with lysine, which is basic and polar, at codon 479 of the ACD protein (p.Arg479Lys). This variant is present in population databases (rs531580930, gnomAD 0.01%). This variant has not been reported in the literature in individuals affected with ACD-related conditions. ClinVar contains an entry for this variant (Variation ID: 653471). Invitae Evidence Modeling of protein sequence and biophysical properties (such as structural, functional, and spatial information, amino acid conservation, physicochemical variation, residue mobility, and thermodynamic stability) indicates that this missense variant is not expected to disrupt ACD protein function with a negative predictive value of 80%. In summary, the available evidence is currently insufficient to determine the role of this variant in disease. Therefore, it has been classified as a Variant of Uncertain Significance.

Breakthrough Genomics
Classification: Uncertain significance. Review status: criteria provided, single submitter. Criteria: ACMG Guidelines, 2015. Collection method: not provided. Allele origin: germline. Inheritance: Autosomal recessive inheritance. Affected: yes.